The following is an entry in ClinVar:

ClinVar aggregate classification (germline): Benign/Likely benign. Review status: criteria provided, multiple submitters, no conflicts (2 of 4 stars). 4 submissions from 4 submitters: Benign (1); Likely benign (3). Last evaluated 2025-12-15.

Conditions:
Inborn genetic diseases. Identifiers: MedGen C0950123, MeSH D030342.

Allele frequency attached by ClinVar (database versions not stated): gnomAD 0.00004; TOPMed 0.00005; gnomAD exomes 0.00008 and 0.00010; ExAC 0.00012.
gnomAD v4.1: 116 of 1,611,074 alleles (0.0072%); highest among the groups gnomAD compares: South Asian, 0.085%; 3 homozygotes.

Submissions (4):

Labcorp Genetics (formerly Invitae), Labcorp
Classification: Benign. Last evaluated: 2025-12-15. Review status: criteria provided, single submitter. Criteria: Invitae Variant Classification Sherloc (09022015). Collection method: clinical testing. Allele origin: germline.

CeGaT Center for Human Genetics Tuebingen
Classification: Likely benign. Last evaluated: 2024-12-01. Review status: criteria provided, single submitter. Criteria: CeGaT Center For Human Genetics Tuebingen Variant Classification Criteria Version 2. Collection method: clinical testing. Allele origin: germline. Affected: yes. Observed: 2 variant alleles.
Comment: RAI1: BP4, BP7

Blueprint Genetics
Classification: Likely benign. Last evaluated: 2024-10-02. Review status: criteria provided, single submitter. Criteria: ACMG Guidelines, 2015. Collection method: clinical testing. Allele origin: germline.

Ambry Genetics
Classification: Likely benign for Inborn genetic diseases. Last evaluated: 2016-11-03. Review status: criteria provided, single submitter. Criteria: Ambry Variant Classification Scheme 2023. Collection method: clinical testing. Allele origin: germline.

NM_030665.4(RAI1):c.3552C>T (p.Pro1184=)

Gene: RAI1 (retinoic acid induced 1; plus strand). Cytogenetic location: 17p11.2.
Variant type: single nucleotide variant.
Coding change: c.3552C>T on transcript NM_030665.4 (MANE Select); coding-DNA position 3552, C replaced by T.
Protein change: p.Pro1184=; no amino-acid change (proline 1184 retained).
Molecular consequence: synonymous variant.
Genome position (GRCh38, 1-based): chr17:17,796,500, C>T. VCF-style: chr17-17796500-C-T. GRCh37 (hg19) VCF-style: chr17-17699814-C-T.
Identifiers: ClinVar variation 588409 (VCV000588409.33), dbSNP rs751510948, ClinGen allele CA8418751.